The following is an entry in ClinVar:

ClinVar aggregate classification (germline): Conflicting classifications of pathogenicity. Review status: criteria provided, conflicting classifications (1 of 4 stars). 3 submissions from 3 submitters: Uncertain significance (1); Benign (1); Likely benign (1). Last evaluated 2025-01-13.

Conditions:
Familial cancer of breast. Also called: Hereditary breast cancer; hereditary breast carcinoma; BREAST CANCER, FAMILIAL. Identifiers: Orphanet 227535, MedGen C0346153, MONDO:0016419, OMIM 114480. Disease mechanism: loss of function.
Hereditary cancer-predisposing syndrome. Also called: Neoplastic Syndromes, Hereditary; Hereditary Cancer Syndrome; Tumor predisposition; Hereditary neoplastic syndrome. Identifiers: Orphanet 140162, MedGen C0027672, MeSH D009386, MONDO:0015356.

Submissions (3):

Myriad Genetics, Inc.
Classification: Benign for Familial cancer of breast. Last evaluated: 2025-01-13. Review status: criteria provided, single submitter. Criteria: Myriad Autosomal Dominant, Autosomal Recessive and X-Linked Classification Criteria (2023). Collection method: clinical testing. Allele origin: unknown.
Comment: This variant is considered benign. This variant is a silent/synonymous amino acid change and it is not expected to impact splicing.

Ambry Genetics
Classification: Likely benign for Hereditary cancer-predisposing syndrome. Last evaluated: 2023-12-23. Review status: criteria provided, single submitter. Criteria: Ambry Variant Classification Scheme 2023. Collection method: clinical testing. Allele origin: germline.

GeneKor MSA
Classification: Uncertain significance for Hereditary cancer-predisposing syndrome. Last evaluated: 2018-08-01. Review status: criteria provided, single submitter. Criteria: ACMG Guidelines, 2015. Collection method: clinical testing. Allele origin: germline. Affected: yes.

NM_024675.4(PALB2):c.1152A>G (p.Glu384=)

Gene: PALB2 (partner and localizer of BRCA2; minus strand). Cytogenetic location: 16p12.2.
Variant type: single nucleotide variant.
Coding change: c.1152A>G on transcript NM_024675.4 (MANE Select); coding-DNA position 1152, A replaced by G.
Protein change: p.Glu384=; no amino-acid change (glutamic acid 384 retained).
Molecular consequence: synonymous variant.
Genome position (GRCh38, 1-based): chr16:23,635,394, T>C on the plus strand (A>G on the coding strand, the complement: PALB2 is on the minus strand). VCF-style: chr16-23635394-T-C. GRCh37 (hg19) VCF-style: chr16-23646715-T-C.
Identifiers: ClinVar variation 584542 (VCV000584542.3), dbSNP rs1567221490, ClinGen allele CA494461920.